The following is an entry in ClinVar:

ClinVar aggregate classification (germline): Benign/Likely benign. Review status: criteria provided, multiple submitters, no conflicts (2 of 4 stars). 19 submissions from 15 submitters: Benign (10); Likely benign (6). 3 of the submissions do not count toward it. Last evaluated 2026-09-01.

Conditions:
FGFR2-related craniosynostosis. Identifiers: MedGen CN231480.
Craniosynostosis syndrome. Also called: Craniosynostosis. Identifiers: Orphanet 1531, MedGen C0010278, MeSH D003398, MONDO:0015469, HP:0001363.
Isolated Coronal Synostosis. Identifiers: MedGen CN043619.
Crouzon syndrome. Also called: CRANIOFACIAL DYSOSTOSIS, TYPE I; Craniofacial dysostosis type 1; Crouzon craniofacial dysostosis; Crouzon disease; Craniofacial dysostosis. Identifiers: Orphanet 207, MedGen C0010273, MeSH D003394, MONDO:0007405, OMIM 123500, HP:0004439.
Beare-Stevenson cutis gyrata syndrome (BSTVS). Identifiers: Orphanet 1555, MedGen C1852406, MONDO:0007412, OMIM 123790.
Saethre-Chotzen syndrome (SCS). Also called: CHOTZEN SYNDROME; ACROCEPHALY, SKULL ASYMMETRY, AND MILD SYNDACTYLY; ACS III. Identifiers: Orphanet 794, MedGen C0175699, MONDO:0007042, OMIM 101400.

Allele frequency attached by ClinVar (database versions not stated): 1000 Genomes Project 30x 0.00328; 1000 Genomes Project 0.00339; TOPMed 0.00546; ESP Exome Variant Server 0.00661; gnomAD 0.00734 and 0.00776; ExAC 0.00798; gnomAD exomes 0.00799.
gnomAD v4.1: 13,156 of 1,614,202 alleles (0.82%); highest among the groups gnomAD compares: Non-Finnish European, 0.86%; 95 homozygotes.

Submissions (19):

CeGaT Center for Human Genetics Tuebingen
Classification: Benign. Last evaluated: 2026-09-01. Review status: criteria provided, single submitter. Criteria: CeGaT Center For Human Genetics Tuebingen Variant Classification Criteria Version 2. Collection method: clinical testing. Allele origin: germline. Affected: yes. Observed: 37 variant alleles.
Comment: FGFR2: BP4, BP7, BS1, BS2

Women's Health and Genetics/Laboratory Corporation of America, LabCorp
Classification: Benign. Last evaluated: 2026-05-11. Review status: criteria provided, single submitter. Criteria: LabCorp Variant Classification Summary - May 2015. Collection method: clinical testing. Allele origin: germline.

Labcorp Genetics (formerly Invitae), Labcorp
Classification: Benign for FGFR2-related craniosynostosis. Last evaluated: 2026-02-01. Review status: criteria provided, single submitter. Criteria: Invitae Variant Classification Sherloc (09022015). Collection method: clinical testing. Allele origin: germline.

ARUP Laboratories, Molecular Genetics and Genomics, ARUP Laboratories
Classification: Benign. Last evaluated: 2025-05-02. Review status: criteria provided, single submitter. Criteria: ARUP Molecular Germline Variant Investigation Process 2024. Collection method: clinical testing. Allele origin: germline.

Blueprint Genetics
Classification: Benign. Last evaluated: 2024-11-26. Review status: criteria provided, single submitter. Criteria: ACMG Guidelines, 2015. Collection method: clinical testing. Allele origin: germline.

Genetic Services Laboratory, University of Chicago
Classification: Benign. Last evaluated: 2019-05-23. Review status: criteria provided, single submitter. Criteria: ACMG Guidelines, 2015. Collection method: clinical testing. Allele origin: germline. Affected: no.

Athena Diagnostics
Classification: Benign. Last evaluated: 2019-01-25. Review status: criteria provided, single submitter. Criteria: Athena Diagnostics Criteria. Collection method: clinical testing. Allele origin: germline.

GeneDx
Classification: Benign. Last evaluated: 2018-09-03. Review status: criteria provided, single submitter. Criteria: GeneDx Variant Classification Process June 2021. Collection method: clinical testing. Allele origin: germline. Affected: yes.

Illumina Laboratory Services, Illumina
Classification: Likely benign for Beare-Stevenson cutis gyrata syndrome. Last evaluated: 2017-04-27. Review status: criteria provided, single submitter. Criteria: ICSL Variant Classification Criteria 13 December 2019. Collection method: clinical testing. Allele origin: germline.
Comment: This variant was observed as part of a predisposition screen in an ostensibly healthy population. A literature search was performed for the gene, cDNA change, and amino acid change (where applicable). No publications were found based on this search. Allele frequency data from public databases allowed determination this variant is unlikely to cause disease. Therefore, this variant is classified as likely benign.

Illumina Laboratory Services, Illumina
Classification: Likely benign for Isolated coronal synostosis. Last evaluated: 2017-04-27. Review status: criteria provided, single submitter. Criteria: ICSL Variant Classification Criteria 13 December 2019. Collection method: clinical testing. Allele origin: germline.
Comment: the same text as in the submission from Illumina Laboratory Services, Illumina above.

Illumina Laboratory Services, Illumina
Classification: Likely benign for Crouzon syndrome. Last evaluated: 2017-04-27. Review status: criteria provided, single submitter. Criteria: ICSL Variant Classification Criteria 13 December 2019. Collection method: clinical testing. Allele origin: germline.
Comment: the same text as in the submission from Illumina Laboratory Services, Illumina above.

Illumina Laboratory Services, Illumina
Classification: Likely benign for Saethre-Chotzen syndrome. Last evaluated: 2017-04-27. Review status: criteria provided, single submitter. Criteria: ICSL Variant Classification Criteria 13 December 2019. Collection method: clinical testing. Allele origin: germline.
Comment: the same text as in the submission from Illumina Laboratory Services, Illumina above.

Illumina Laboratory Services, Illumina
Classification: Likely benign for Craniosynostosis. Last evaluated: 2017-04-27. Review status: criteria provided, single submitter. Criteria: ICSL Variant Classification Criteria 13 December 2019. Collection method: clinical testing. Allele origin: germline.
Comment: the same text as in the submission from Illumina Laboratory Services, Illumina above.

Eurofins Ntd Llc (ga)
Classification: Benign. Last evaluated: 2014-10-31. Review status: criteria provided, single submitter. Criteria: EGL Classification Definitions 2015. Collection method: clinical testing. Allele origin: germline. Observed: 2 variant alleles, 2 heterozygotes.

Breakthrough Genomics
Classification: Likely benign. Review status: criteria provided, single submitter. Criteria: ACMG Guidelines, 2015. Collection method: not provided. Allele origin: germline. Inheritance: Autosomal dominant inheritance. Affected: yes.

PreventionGenetics, part of Exact Sciences
Classification: Benign. Review status: criteria provided, single submitter. Criteria: ACMG Guidelines, 2015. Collection method: clinical testing. Allele origin: germline.

Clinical Genetics DNA and cytogenetics Diagnostics Lab, Erasmus MC, Erasmus Medical Center
Classification: Benign. Review status: no assertion criteria provided. Collection method: clinical testing. Allele origin: germline. Affected: yes. Study: VKGL Data-share Consensus. Not counted in ClinVar's aggregate classification.

Genome Diagnostics Laboratory, Amsterdam University Medical Center
Classification: Benign. Review status: no assertion criteria provided. Collection method: clinical testing. Allele origin: germline. Affected: yes. Study: VKGL Data-share Consensus. Not counted in ClinVar's aggregate classification.

Joint Genome Diagnostic Labs from Nijmegen and Maastricht, Radboudumc and MUMC+
Classification: Likely benign. Review status: no assertion criteria provided. Collection method: clinical testing. Allele origin: germline. Affected: yes. Study: VKGL Data-share Consensus. Not counted in ClinVar's aggregate classification.

Literature cited by the submitters: PubMed 17264867 (cited by Athena Diagnostics).

NM_000141.5(FGFR2):c.294G>A (p.Thr98=)

Gene: FGFR2 (fibroblast growth factor receptor 2; minus strand). Cytogenetic location: 10q26.13.
Variant type: single nucleotide variant.
Coding change: c.294G>A on transcript NM_000141.5 (MANE Select); coding-DNA position 294, G replaced by A.
Protein change: p.Thr98=; no amino-acid change (threonine 98 retained).
Molecular consequence: synonymous variant. On other transcripts: intron variant (9).
Genome position (GRCh38, 1-based): chr10:121,565,520, C>T on the plus strand (G>A on the coding strand, the complement: FGFR2 is on the minus strand). VCF-style: chr10-121565520-C-T. GRCh37 (hg19) VCF-style: chr10-123325034-C-T.
Other names: c.294G>A, p.Thr98= (NM_001144913.1, NM_001144914.1, NM_001144917.2 and 3 more transcripts); c.110-14061G>A (NM_001144918.2, NM_001441091.1, NM_001441090.1 and 1 more transcripts); c.110-941G>A (NM_001441089.1, NM_023029.3, NM_001441088.1 and 2 more transcripts).
Identifiers: ClinVar variation 196217 (VCV000196217.62), dbSNP rs1047101, ClinGen allele CA202213.